The following is an entry in ClinVar:

NM_014915.3(ANKRD26):c.1529C>T (p.Ala510Val)

Gene: ANKRD26 (ankyrin repeat domain 26; minus strand). Cytogenetic location: 10p12.1.
Variant type: single nucleotide variant.
Coding change: c.1529C>T on transcript NM_014915.3 (MANE Select); coding-DNA position 1529, C replaced by T.
Protein change: p.Ala510Val; replaces alanine 510 with valine.
Molecular consequence: missense variant.
Genome position (GRCh38, 1-based): chr10:27,060,380, G>A on the plus strand (C>T on the coding strand, the complement: ANKRD26 is on the minus strand). VCF-style: chr10-27060380-G-A. GRCh37 (hg19) VCF-style: chr10-27349309-G-A.
Other names: c.1529C>T, p.Ala510Val (NM_001256053.2); short protein forms A510V.
Identifiers: ClinVar variation 1686685 (VCV001686685.9), dbSNP rs760679486, ClinGen allele CA5448511.

ClinVar aggregate classification (germline): Uncertain significance. Review status: criteria provided, multiple submitters, no conflicts (2 of 4 stars). 3 submissions from 3 submitters: Uncertain significance (3). Last evaluated 2025-11-03.

Conditions:
Inborn genetic diseases. Identifiers: MedGen C0950123, MeSH D030342.

Allele frequency attached by ClinVar (database versions not stated): 1000 Genomes Project 30x 0.00031; gnomAD 0.00003 and 0.00001; gnomAD exomes 0.00006 and 0.00001; ExAC 0.00007; TOPMed 0.00005.
gnomAD v4.1: 21 of 1,612,766 alleles (0.0013%); highest among the groups gnomAD compares: East Asian, 0.042%; no homozygotes.

Submissions (3):

Labcorp Genetics (formerly Invitae), Labcorp
Classification: Uncertain significance. Last evaluated: 2025-11-03. Review status: criteria provided, single submitter. Criteria: Invitae Variant Classification Sherloc (09022015). Collection method: clinical testing. Allele origin: germline.
Comment: This sequence change replaces alanine, which is neutral and non-polar, with valine, which is neutral and non-polar, at codon 510 of the ANKRD26 protein (p.Ala510Val). This variant is present in population databases (rs760679486, gnomAD 0.07%), and has an allele count higher than expected for a pathogenic variant. This variant has not been reported in the literature in individuals affected with ANKRD26-related conditions. ClinVar contains an entry for this variant (Variation ID: 1686685). An algorithm developed to predict the effect of missense changes on protein structure and function outputs the following: PolyPhen-2: "Benign". The valine amino acid residue is found in multiple mammalian species, which suggests that this missense change does not adversely affect protein function. In summary, the available evidence is currently insufficient to determine the role of this variant in disease. Therefore, it has been classified as a Variant of Uncertain Significance.

Ambry Genetics
Classification: Uncertain significance for Inborn genetic diseases. Last evaluated: 2024-12-31. Review status: criteria provided, single submitter. Criteria: Ambry Variant Classification Scheme 2023. Collection method: clinical testing. Allele origin: germline.
Comment: The p.A510V variant (also known as c.1529C>T), located in coding exon 15 of the ANKRD26 gene, results from a C to T substitution at nucleotide position 1529. The alanine at codon 510 is replaced by valine, an amino acid with similar properties. This amino acid position is conserved. In addition, this alteration is predicted to be tolerated by in silico analysis. Based on the available evidence, the clinical significance of this variant remains unclear.

GeneDx
Classification: Uncertain significance. Last evaluated: 2022-04-27. Review status: criteria provided, single submitter. Criteria: GeneDx Variant Classification Process June 2021. Collection method: clinical testing. Allele origin: germline. Affected: yes.
Comment: In silico analysis supports that this missense variant does not alter protein structure/function; Has not been previously published as pathogenic or benign to our knowledge